The following is an entry in ClinVar:

ClinVar aggregate classification (germline): Conflicting classifications of pathogenicity. Review status: criteria provided, conflicting classifications (1 of 4 stars). 2 submissions from 2 submitters: Uncertain significance (1); Benign (1). Last evaluated 2025-06-19.

Conditions:
SLC35A2-congenital disorder of glycosylation. Also called: CONGENITAL DISORDER OF GLYCOSYLATION, TYPE IIm; DEVELOPMENTAL AND EPILEPTIC ENCEPHALOPATHY 22; SLC35A2-CDG; CDG IIm; CONGENITAL DISORDER OF GLYCOSYLATION, TYPE IIm, SOMATIC MOSAIC; EPILEPTIC ENCEPHALOPATHY, EARLY INFANTILE, 22. Identifiers: Orphanet 356961, MedGen C3806688, MONDO:0010478, OMIM 300896.

Allele frequency attached by ClinVar (database versions not stated): gnomAD exomes below 0.00001 and 0.00001; TOPMed 0.00001; gnomAD 0.00002.
gnomAD v4.1: 4 of 1,184,493 alleles (0.00034%); highest among the groups gnomAD compares: Admixed American, 0.0049%; no homozygotes.

Submissions (2):

Labcorp Genetics (formerly Invitae), Labcorp
Classification: Benign for SLC35A2-congenital disorder of glycosylation. Last evaluated: 2025-06-19. Review status: criteria provided, single submitter. Criteria: Invitae Variant Classification Sherloc (09022015). Collection method: clinical testing. Allele origin: germline.

GeneDx
Classification: Uncertain significance. Last evaluated: 2023-01-10. Review status: criteria provided, single submitter. Criteria: GeneDx Variant Classification Process June 2021. Collection method: clinical testing. Allele origin: germline. Affected: yes.
Comment: Reported as a de novo variant in a patient with decreased fetal movements and breech presentation in the published literature (Ng et al., 2019); In silico analysis supports that this missense variant does not alter protein structure/function; This variant is associated with the following publications: (PMID: 33552911, 30817854)

NM_005660.3(SLC35A2):c.562G>A (p.Gly188Ser)

Gene: SLC35A2 (solute carrier family 35 member A2; minus strand). Cytogenetic location: Xp11.23.
Variant type: single nucleotide variant.
Coding change: c.562G>A on transcript NM_005660.3 (MANE Select); coding-DNA position 562, G replaced by A.
Protein change: p.Gly188Ser; replaces glycine 188 with serine.
Molecular consequence: missense variant. On other transcripts: intron variant (3).
Genome position (GRCh38, 1-based): chrX:48,905,347, C>T on the plus strand (G>A on the coding strand, the complement: SLC35A2 is on the minus strand). VCF-style: chrX-48905347-C-T. GRCh37 (hg19) VCF-style: chrX-48762624-C-T.
Other names: c.562G>A, p.Gly188Ser (NM_001042498.3); c.379G>A, p.Gly127Ser (NM_001282649.2); c.601G>A, p.Gly201Ser (NM_001282650.2); c.646G>A, p.Gly216Ser (NM_001282651.2); c.427-455G>A (NM_001282647.2, NM_001032289.3); c.355-455G>A (NM_001282648.2); short protein forms G127S, G201S, G216S, G188S.
Identifiers: ClinVar variation 941332 (VCV000941332.12), dbSNP rs1023107993, ClinGen allele CA412895697.